The following is an entry in ClinVar:

ClinVar aggregate classification (germline): Uncertain significance (1 of 4 stars; one submission).

Conditions:
Pulmonary fibrosis and/or bone marrow failure, Telomere-related, 3. Also called: PULMONARY FIBROSIS AND/OR BONE MARROW FAILURE SYNDROME, TELOMERE-RELATED, 3. Identifiers: Orphanet 2032, MedGen C4225346, MONDO:0014613, OMIM 616373.
Dyskeratosis congenita, autosomal recessive 5 (DKCB5). Identifiers: MedGen C3554656, MONDO:0014076, OMIM 615190.

Allele frequency attached by ClinVar (database versions not stated): gnomAD exomes below 0.00001 and 0.00001; ExAC 0.00001; TOPMed 0.00001.
gnomAD v4.1: 15 of 1,612,372 alleles (0.00093%); highest among the groups gnomAD compares: Non-Finnish European, 0.0013%; no homozygotes.

Submission:

Labcorp Genetics (formerly Invitae), Labcorp
Classification: Uncertain significance for Dyskeratosis congenita, autosomal recessive 5; Pulmonary fibrosis and/or bone marrow failure, Telomere-related, 3. Last evaluated: 2021-10-03. Review status: criteria provided, single submitter. Criteria: Invitae Variant Classification Sherloc (09022015). Collection method: clinical testing. Allele origin: germline.
Comment: This sequence change replaces arginine with histidine at codon 550 of the RTEL1 protein (p.Arg550His). The arginine residue is highly conserved and there is a small physicochemical difference between arginine and histidine. This variant is present in population databases (rs765499822, ExAC no frequency). This variant has not been reported in the literature in individuals affected with RTEL1-related conditions. Algorithms developed to predict the effect of missense changes on protein structure and function are either unavailable or do not agree on the potential impact of this missense change (SIFT: "Deleterious"; PolyPhen-2: "Probably Damaging"; Align-GVGD: "Class C0"). In summary, the available evidence is currently insufficient to determine the role of this variant in disease. Therefore, it has been classified as a Variant of Uncertain Significance.

NM_001283009.2(RTEL1):c.1649G>A (p.Arg550His)

Genes: RTEL1 (regulator of telomere elongation helicase 1; plus strand), RTEL1-TNFRSF6B (RTEL1-TNFRSF6B readthrough (NMD candidate); plus strand). Cytogenetic location: 20q13.33.
Variant type: single nucleotide variant.
Coding change: c.1649G>A on transcript NM_001283009.2 (MANE Select); coding-DNA position 1649, G replaced by A.
Protein change: p.Arg550His; replaces arginine 550 with histidine.
Molecular consequence: missense variant. On other transcripts: non-coding transcript variant (1).
Genome position (GRCh38, 1-based): chr20:63,688,313, G>A. VCF-style: chr20-63688313-G-A. GRCh37 (hg19) VCF-style: chr20-62319666-G-A.
Other names: c.980G>A, p.Arg327His (NM_001283010.1); c.1649G>A, p.Arg550His (NM_016434.4); c.1721G>A, p.Arg574His (NM_032957.5); short protein forms R574H, R327H, R550H.
Identifiers: ClinVar variation 1432856 (VCV001432856.3), dbSNP rs765499822, ClinGen allele CA9964911.
Genomic context (GRCh38, chr20:63,688,313, plus strand): 5'-CCTGCAGACATCCTGCCCCTGCCTTGACCCCGGCCCCTGCACTTCCAGGCAACATCGCCC[G>A]CGTGGTGCCCTATGGGCTCCTGATCTTCTTCCCTTCCTATCCTGTCATGGAGAAGAGCCT-3'
Protein context (NP_001269938.1, residues 540-560): SLGKALGNIA[Arg550His]VVPYGLLIFF